The following is an entry in ClinVar:

ClinVar aggregate classification (germline): Uncertain significance. Review status: criteria provided, multiple submitters, no conflicts (2 of 4 stars). 3 submissions from 3 submitters: Uncertain significance (3). Last evaluated 2025-03-17.

Conditions:
Age related macular degeneration 1 (ARMD1). Also called: MACULOPATHY, AGE-RELATED, 1. Identifiers: MedGen C1864205, MONDO:0011285, OMIM 603075.

Allele frequency attached by ClinVar (database versions not stated): ExAC 0.00001; gnomAD exomes 0.00003; gnomAD 0.00006; TOPMed 0.00006; ESP Exome Variant Server 0.00008.
gnomAD v4.1: 53 of 1,614,010 alleles (0.0033%); highest among the groups gnomAD compares: Non-Finnish European, 0.0042%; no homozygotes.

Submissions (3):

Labcorp Genetics (formerly Invitae), Labcorp
Classification: Uncertain significance. Last evaluated: 2025-03-17. Review status: criteria provided, single submitter. Criteria: Invitae Variant Classification Sherloc (09022015). Collection method: clinical testing. Allele origin: germline.
Comment: This sequence change replaces isoleucine, which is neutral and non-polar, with methionine, which is neutral and non-polar, at codon 3622 of the HMCN1 protein (p.Ile3622Met). This variant is present in population databases (rs374449197, gnomAD 0.009%). This variant has not been reported in the literature in individuals affected with HMCN1-related conditions. ClinVar contains an entry for this variant (Variation ID: 1912365). An algorithm developed to predict the effect of missense changes on protein structure and function (PolyPhen-2) suggests that this variant is likely to be disruptive. In summary, the available evidence is currently insufficient to determine the role of this variant in disease. Therefore, it has been classified as a Variant of Uncertain Significance.

Genome-Nilou Lab
Classification: Uncertain significance for Age related macular degeneration 1. Last evaluated: 2023-04-11. Review status: criteria provided, single submitter. Criteria: ACMG Guidelines, 2015. Collection method: clinical testing. Allele origin: germline. Affected: no.

Ambry Genetics
Classification: Uncertain significance. Last evaluated: 2022-10-03. Review status: criteria provided, single submitter. Criteria: Ambry Variant Classification Scheme 2023. Collection method: clinical testing. Allele origin: germline.

NM_031935.3(HMCN1):c.10866T>G (p.Ile3622Met)

Gene: HMCN1 (hemicentin 1; plus strand). Cytogenetic location: 1q31.1.
Variant type: single nucleotide variant.
Coding change: c.10866T>G on transcript NM_031935.3 (MANE Select); coding-DNA position 10866, T replaced by G.
Protein change: p.Ile3622Met; replaces isoleucine 3622 with methionine.
Molecular consequence: missense variant.
Genome position (GRCh38, 1-based): chr1:186,108,474, T>G. VCF-style: chr1-186108474-T-G. GRCh37 (hg19) VCF-style: chr1-186077606-T-G.
Other names: short protein forms I3622M.
Identifiers: ClinVar variation 1912365 (VCV001912365.7), dbSNP rs374449197, ClinGen allele CA1293847.